The following is an entry in ClinVar:

NM_002485.5(NBN):c.76G>T (p.Val26Phe)

Gene: NBN (nibrin; minus strand). Cytogenetic location: 8q21.3.
Variant type: single nucleotide variant.
Coding change: c.76G>T on transcript NM_002485.5 (MANE Select); coding-DNA position 76, G replaced by T.
Protein change: p.Val26Phe; replaces valine 26 with phenylalanine.
Molecular consequence: missense variant. On other transcripts: 5 prime UTR variant (1).
Genome position (GRCh38, 1-based): chr8:89,982,817, C>A on the plus strand (G>T on the coding strand, the complement: NBN is on the minus strand). VCF-style: chr8-89982817-C-A. GRCh37 (hg19) VCF-style: chr8-90995045-C-A.
Other names: c.-221G>T (NM_001024688.3); short protein forms V26F.
Identifiers: ClinVar variation 652105 (VCV000652105.10), dbSNP rs752964949, ClinGen allele CA371663454.

ClinVar aggregate classification (germline): Uncertain significance. Review status: criteria provided, multiple submitters, no conflicts (2 of 4 stars). 3 submissions from 3 submitters: Uncertain significance (3). Last evaluated 2025-06-15.

Conditions:
Hereditary cancer-predisposing syndrome. Also called: Hereditary Cancer Syndrome; Tumor predisposition; Neoplastic Syndromes, Hereditary; Hereditary neoplastic syndrome. Identifiers: Orphanet 140162, MedGen C0027672, MeSH D009386, MONDO:0015356.
Microcephaly, normal intelligence and immunodeficiency (NBS). Also called: BERLIN BREAKAGE SYNDROME; Nijmegen breakage syndrome; Microcephaly with normal intelligence immunodeficiency and lymphoreticular malignancies; Nonsyndromal microcephaly autosomal recessive with normal intelligence; Seemanova syndrome 2; SEEMANOVA SYNDROME II. Identifiers: Orphanet 647, MedGen C0398791, MONDO:0009623, OMIM 251260.
Aplastic anemia. Identifiers: Orphanet 182040, Orphanet 88, MedGen C0002874, MONDO:0015909, OMIM 609135, HP:0001915.
Acute lymphoid leukemia (ALL). Also called: Lymphoblastic leukemia; Acute lymphoblastic leukemia; Acute lymphocytic leukemia; Leukemia, acute lymphoblastic, somatic. Identifiers: Orphanet 513, MedGen C0023449, MONDO:0004967, OMIM 613065, HP:0006721.

Submissions (3):

Labcorp Genetics (formerly Invitae), Labcorp
Classification: Uncertain significance for Microcephaly, normal intelligence and immunodeficiency. Last evaluated: 2025-06-15. Review status: criteria provided, single submitter. Criteria: Invitae Variant Classification Sherloc (09022015). Collection method: clinical testing. Allele origin: germline.
Comment: This sequence change replaces valine, which is neutral and non-polar, with phenylalanine, which is neutral and non-polar, at codon 26 of the NBN protein (p.Val26Phe). This variant is not present in population databases (gnomAD no frequency). This variant has not been reported in the literature in individuals affected with NBN-related conditions. ClinVar contains an entry for this variant (Variation ID: 652105). An algorithm developed to predict the effect of missense changes on protein structure and function (PolyPhen-2) suggests that this variant is likely to be disruptive. In summary, the available evidence is currently insufficient to determine the role of this variant in disease. Therefore, it has been classified as a Variant of Uncertain Significance.

Fulgent Genetics
Classification: Uncertain significance for Microcephaly, normal intelligence and immunodeficiency; Aplastic anemia; Acute lymphoid leukemia. Last evaluated: 2021-12-17. Review status: criteria provided, single submitter. Criteria: ACMG Guidelines, 2015. Collection method: clinical testing. Allele origin: unknown.

Ambry Genetics
Classification: Uncertain significance for Hereditary cancer-predisposing syndrome. Last evaluated: 2021-09-07. Review status: criteria provided, single submitter. Criteria: Ambry Variant Classification Scheme 2023. Collection method: clinical testing. Allele origin: germline.
Comment: The p.V26F variant (also known as c.76G>T), located in coding exon 2 of the NBN gene, results from a G to T substitution at nucleotide position 76. The valine at codon 26 is replaced by phenylalanine, an amino acid with highly similar properties. This amino acid position is conserved. In addition, the in silico prediction for this alteration is inconclusive. Since supporting evidence is limited at this time, the clinical significance of this alteration remains unclear.